The following is an entry in ClinVar:

NM_000218.3(KCNQ1):c.1514+21G>A

Genes: KCNQ1 (potassium voltage-gated channel subfamily Q member 1; plus strand), KCNQ1OT1 (KCNQ1 opposite strand/antisense transcript 1; minus strand). Cytogenetic location: 11p15.5.
Variant type: single nucleotide variant.
Coding change: c.1514+21G>A on transcript NM_000218.3 (MANE Select); 21 bases into the intron after coding-DNA position 1514, G replaced by A.
Molecular consequence: intron variant. On other transcripts: non-coding transcript variant (1).
Genome position (GRCh38, 1-based): chr11:2,662,102, G>A. VCF-style: chr11-2662102-G-A. GRCh37 (hg19) VCF-style: chr11-2683332-G-A.
Other names: c.1244+21G>A (NM_001406837.1); c.1418+21G>A (NM_001406836.1); c.974+21G>A (NM_001406838.1); c.1133+21G>A (NM_181798.2).
Identifiers: ClinVar variation 3051636 (VCV003051636.2), dbSNP rs199755141, ClinGen allele CA030235.

ClinVar aggregate classification (germline): Likely benign (0 of 4 stars; one submission).

Conditions:
KCNQ1-related disorder. Also called: KCNQ1-related disorders; KCNQ1-related condition. Identifiers: MedGen CN239322.

Allele frequency attached by ClinVar (database versions not stated): TOPMed 0.00018; ESP Exome Variant Server 0.00023; gnomAD exomes 0.00033; gnomAD 0.00037; ExAC 0.00040.
gnomAD v4.1: 549 of 1,613,984 alleles (0.034%); highest among the groups gnomAD compares: Non-Finnish European, 0.034%; no homozygotes.

Submission:

PreventionGenetics, part of Exact Sciences
Classification: Likely benign for KCNQ1-related condition. Last evaluated: 2022-06-22. Review status: no assertion criteria provided. Collection method: clinical testing. Allele origin: germline.
Comment: This variant is classified as likely benign based on ACMG/AMP sequence variant interpretation guidelines (Richards et al. 2015 PMID: 25741868, with internal and published modifications).